The following is an entry in ClinVar:

ClinVar aggregate classification (germline): Pathogenic. Review status: criteria provided, multiple submitters, no conflicts (2 of 4 stars). 4 submissions from 4 submitters: Pathogenic (4). Last evaluated 2023-09-21.

Conditions:
Hereditary nonpolyposis colorectal neoplasms. Identifiers: MedGen C0009405, MeSH D003123.
Lynch syndrome 4 (LYNCH4). Also called: Hereditary non-polyposis colorectal cancer, type 4; Colorectal cancer, hereditary nonpolyposis, type 4. Identifiers: Orphanet 144, MedGen C1838333, MONDO:0013699, OMIM 614337. Disease mechanism: loss of function.
Hereditary cancer-predisposing syndrome. Also called: Neoplastic Syndromes, Hereditary; Hereditary Cancer Syndrome; Tumor predisposition; Hereditary neoplastic syndrome. Identifiers: Orphanet 140162, MedGen C0027672, MeSH D009386, MONDO:0015356.

Submissions (4):

Myriad Genetics, Inc.
Classification: Pathogenic for Lynch syndrome 4. Last evaluated: 2023-09-21. Review status: criteria provided, single submitter. Criteria: Myriad Autosomal Dominant, Autosomal Recessive and X-Linked Classification Criteria (2023). Collection method: clinical testing. Allele origin: unknown.
Comment: This variant is considered pathogenic. This variant creates a termination codon and is predicted to result in premature protein truncation.

Labcorp Genetics (formerly Invitae), Labcorp
Classification: Pathogenic for Hereditary nonpolyposis colorectal neoplasms. Last evaluated: 2022-06-22. Review status: criteria provided, single submitter. Criteria: Invitae Variant Classification Sherloc (09022015). Collection method: clinical testing. Allele origin: germline.
Comment: For these reasons, this variant has been classified as Pathogenic. The frequency data for this variant in the population databases (gnomAD) is considered unreliable due to the presence of homologous sequence, such as pseudogenes or paralogs, in the genome. This sequence change creates a premature translational stop signal (p.Gln714*) in the PMS2 gene. It is expected to result in an absent or disrupted protein product. Loss-of-function variants in PMS2 are known to be pathogenic (PMID: 21376568, 24362816). ClinVar contains an entry for this variant (Variation ID: 392296). This variant has not been reported in the literature in individuals affected with PMS2-related conditions.

Ambry Genetics
Classification: Pathogenic for Hereditary cancer-predisposing syndrome. Last evaluated: 2022-01-25. Review status: criteria provided, single submitter. Criteria: Ambry General Variant Classification Scheme_2022. Collection method: clinical testing. Allele origin: germline. Observed: 1 variant allele.
Comment: The p.Q714* pathogenic mutation (also known as c.2140C>T), located in coding exon 12 of the PMS2 gene, results from a C to T substitution at nucleotide position 2140. This changes the amino acid from a glutamine to a stop codon within coding exon 12. This alteration is expected to result in loss of function by premature protein truncation or nonsense-mediated mRNA decay. As such, this alteration is interpreted as a disease-causing mutation.

GeneDx
Classification: Pathogenic. Last evaluated: 2016-12-28. Review status: criteria provided, single submitter. Criteria: GeneDx Variant Classification (06012015). Collection method: clinical testing. Allele origin: germline. Affected: yes.
Comment: The Q714X variant in the PMS2 gene has not been reported previously as a pathogenic variant nor as a benign variant, to our knowledge. This variant is predicted to cause loss of normal protein function either through protein truncation or nonsense-mediated mRNA decay. The Q714X variant was not observed in approximately 6,500 individuals of European and African American ancestry in the NHLBI Exome Sequencing Project, indicating it is not a common benign variant in these populations. We interpret Q714X as a pathogenic variant.

Literature cited by the submitters: PubMed 21376568 (cited by Labcorp Genetics (formerly Invitae), Labcorp); PubMed 24362816 (cited by Labcorp Genetics (formerly Invitae), Labcorp).

NM_000535.7(PMS2):c.2140C>T (p.Gln714Ter)

Gene: PMS2 (PMS1 homolog 2, mismatch repair system component; minus strand). Cytogenetic location: 7p22.1.
Variant type: single nucleotide variant.
Coding change: c.2140C>T on transcript NM_000535.7 (MANE Select); coding-DNA position 2140, C replaced by T.
Protein change: p.Gln714Ter; replaces glutamine 714 with a stop codon.
Molecular consequence: nonsense. On other transcripts: non-coding transcript variant (1).
Genome position (GRCh38, 1-based): chr7:5,982,858, G>A on the plus strand (C>T on the coding strand, the complement: PMS2 is on the minus strand). VCF-style: chr7-5982858-G-A. GRCh37 (hg19) VCF-style: chr7-6022489-G-A.
Other names: c.1735C>T, p.Gln579Ter (NM_001322003.2, NM_001322004.2, NM_001322005.2 and 1 more transcripts); c.1984C>T, p.Gln662Ter (NM_001322006.2); c.1822C>T, p.Gln608Ter (NM_001322007.2, NM_001322008.2); c.1579C>T, p.Gln527Ter (NM_001322010.2); c.1207C>T, p.Gln403Ter (NM_001322011.2, NM_001322012.2); c.1567C>T, p.Gln523Ter (NM_001322013.2); c.2140C>T, p.Gln714Ter (NM_001322014.2); c.1831C>T, p.Gln611Ter (NM_001322015.2); short protein forms Q714*, Q403*, Q523*, Q579*, Q608*, Q611*, Q662*, Q527*.
Identifiers: ClinVar variation 392296 (VCV000392296.12), dbSNP rs1057524433, ClinGen allele CA16605116.